The following is an entry in ClinVar:

NM_000138.5(FBN1):c.6951del (p.Glu2317fs)

Gene: FBN1 (fibrillin 1; minus strand). Cytogenetic location: 15q21.1.
Variant type: Deletion.
Coding change: c.6951del on transcript NM_000138.5 (MANE Select); coding-DNA position 6951, one base deleted (G; older notation c.6951delG).
Protein change: p.Glu2317fs; shifts the reading frame from glutamic acid 2317.
Molecular consequence: frameshift variant.
Genome position (GRCh38, 1-based): chr15:48,428,392, C deleted on the plus strand (G on the coding strand, the reverse complement: FBN1 is on the minus strand). VCF-style (leftmost placement, unchanged base first): chr15-48428391-AC-A. GRCh37 (hg19) VCF-style: chr15-48720588-AC-A.
Other names: c.6951delG, p.Glu2317Aspfs (NM_000138.4); c.6951del, p.Glu2317fs (NM_001406716.1); short protein forms E2317fs.
Identifiers: ClinVar variation 1325449 (VCV001325449.2), dbSNP rs2141229903, ClinGen allele CA2573150970.
Genomic context (GRCh38, chr15:48,428,391, plus strand): 5'-GCCAACTGTACTCACCAAGGCACTCGTCCTGGTTGGGGCTGGCGGTAAACCCATCATTAC[AC>A]TCACAGGTGTAGCTCCCACGGGTGTTGAGGCAGCGCCCATTCTCACAGATCCCTGGCTTC-3'

ClinVar aggregate classification (germline): Pathogenic (1 of 4 stars; one submission).

Conditions:
Marfan syndrome (MFS). Also called: Marfan syndrome type 1; Marfan's syndrome; FBN1-Related Marfan Syndrome; MARFAN SYNDROME, TYPE I; Marfan syndrome, classic. Identifiers: Orphanet 284963, Orphanet 558, MedGen C0024796, MONDO:0007947, OMIM 154700.

Submission:

Centre of Medical Genetics, University of Antwerp
Classification: Pathogenic for Marfan syndrome. Last evaluated: 2021-03-01. Review status: criteria provided, single submitter. Criteria: Submitter's publication. Collection method: research. Allele origin: unknown. Affected: yes.
Comment: PM2, PVS1, PP4